The following is an entry in ClinVar:

NM_006767.4(LZTR1):c.376T>C (p.Tyr126His)

Gene: LZTR1 (leucine zipper like post translational regulator 1; plus strand). Cytogenetic location: 22q11.21.
Variant type: single nucleotide variant.
Coding change: c.376T>C on transcript NM_006767.4 (MANE Select); coding-DNA position 376, T replaced by C.
Protein change: p.Tyr126His; replaces tyrosine 126 with histidine.
Molecular consequence: missense variant.
Genome position (GRCh38, 1-based): chr22:20,987,559, T>C. VCF-style: chr22-20987559-T-C. GRCh37 (hg19) VCF-style: chr22-21341848-T-C.
Other names: short protein forms Y126H.
Identifiers: ClinVar variation 2786063 (VCV002786063.3), dbSNP rs2518612542, ClinGen allele CA410779385.

ClinVar aggregate classification (germline): Uncertain significance (1 of 4 stars; one submission).

Allele frequency attached by ClinVar (database versions not stated): gnomAD exomes below 0.00001.
gnomAD v4.1: 3 of 1,614,100 alleles (0.00019%); highest among the groups gnomAD compares: Non-Finnish European, 0.00025%; no homozygotes.

Submission:

Labcorp Genetics (formerly Invitae), Labcorp
Classification: Uncertain significance. Last evaluated: 2025-08-12. Review status: criteria provided, single submitter. Criteria: Invitae Variant Classification Sherloc (09022015). Collection method: clinical testing. Allele origin: germline.
Comment: This sequence change replaces tyrosine, which is neutral and polar, with histidine, which is basic and polar, at codon 126 of the LZTR1 protein (p.Tyr126His). This variant is not present in population databases (gnomAD no frequency). This variant has not been reported in the literature in individuals affected with LZTR1-related conditions. ClinVar contains an entry for this variant (Variation ID: 2786063). Invitae Evidence Modeling of protein sequence and biophysical properties (such as structural, functional, and spatial information, amino acid conservation, physicochemical variation, residue mobility, and thermodynamic stability) indicates that this missense variant is not expected to disrupt LZTR1 protein function with a negative predictive value of 80%. In summary, the available evidence is currently insufficient to determine the role of this variant in disease. Therefore, it has been classified as a Variant of Uncertain Significance.